The following is an entry in ClinVar:

ClinVar aggregate classification (germline): Conflicting classifications of pathogenicity. Review status: criteria provided, conflicting classifications (1 of 4 stars). 3 submissions from 3 submitters: Uncertain significance (1); Likely benign (1). 1 of the submissions does not count toward it. Last evaluated 2023-04-12.

Conditions:
SETD1A-related disorder. Also called: SETD1A-related condition.
Inborn genetic diseases. Identifiers: MedGen C0950123, MeSH D030342.

Allele frequency attached by ClinVar (database versions not stated): gnomAD 0.00002; TOPMed 0.00002; ESP Exome Variant Server 0.00008; ExAC 0.00011.
gnomAD v4.1: 67 of 1,613,374 alleles (0.0042%); highest among the groups gnomAD compares: South Asian, 0.061%; no homozygotes.

Submissions (3):

Revvity Omics, Revvity
Classification: Uncertain significance. Last evaluated: 2023-04-12. Review status: criteria provided, single submitter. Criteria: ACMG Guidelines, 2015. Collection method: clinical testing. Allele origin: germline.

Ambry Genetics
Classification: Likely benign for Inborn genetic diseases. Last evaluated: 2022-05-01. Review status: criteria provided, single submitter. Criteria: Ambry Variant Classification Scheme 2023. Collection method: clinical testing. Allele origin: germline.

PreventionGenetics, part of Exact Sciences
Classification: Likely benign for SETD1A-related condition. Last evaluated: 2023-11-09. Review status: no assertion criteria provided. Collection method: clinical testing. Allele origin: germline. Not counted in ClinVar's aggregate classification.
Comment: This variant is classified as likely benign based on ACMG/AMP sequence variant interpretation guidelines (Richards et al. 2015 PMID: 25741868, with internal and published modifications).

NM_014712.3(SETD1A):c.655C>T (p.Arg219Cys)

Gene: SETD1A (SET domain containing 1A, histone lysine methyltransferase; plus strand). Cytogenetic location: 16p11.2.
Variant type: single nucleotide variant.
Coding change: c.655C>T on transcript NM_014712.3 (MANE Select); coding-DNA position 655, C replaced by T.
Protein change: p.Arg219Cys; replaces arginine 219 with cysteine.
Molecular consequence: missense variant.
Genome position (GRCh38, 1-based): chr16:30,964,109, C>T. VCF-style: chr16-30964109-C-T. GRCh37 (hg19) VCF-style: chr16-30975430-C-T.
Other names: c.655C>T (NM_014712.2, NM_014712.1); short protein forms R219C.
Identifiers: ClinVar variation 2435838 (VCV002435838.6), dbSNP rs373130363, ClinGen allele CA8016454.